The following is an entry in ClinVar:

ClinVar aggregate classification (germline): Pathogenic. Review status: criteria provided, single submitter (1 of 4 stars). 2 submissions from 2 submitters: Pathogenic (1). 1 of the submissions does not count toward it. Last evaluated 2023-04-25.

Conditions:
Amyotrophic lateral sclerosis, susceptibility to, 25. Identifiers: MedGen C4693609, MONDO:0060670, OMIM 617921.
Spastic paraplegia. Identifiers: MedGen C0037772, HP:0001258.

Allele frequency attached by ClinVar (database versions not stated): gnomAD exomes below 0.00001.

Submissions (2):

Labcorp Genetics (formerly Invitae), Labcorp
Classification: Pathogenic for Spastic paraplegia. Last evaluated: 2023-04-25. Review status: criteria provided, single submitter. Criteria: Invitae Variant Classification Sherloc (09022015). Collection method: clinical testing. Allele origin: germline.
Comment: This variant has been observed in individuals with amyotrophic lateral sclerosis (PMID: 29566793, 29954873; Invitae). It has also been observed to segregate with disease in related individuals. This variant is present in population databases (no rsID available, gnomAD 0.0009%). This sequence change falls in intron 26 of the KIF5A gene. It does not directly change the encoded amino acid sequence of the KIF5A protein. It affects a nucleotide within the consensus splice site. ClinVar contains an entry for this variant (Variation ID: 504476). For these reasons, this variant has been classified as Pathogenic. Variants that disrupt the consensus splice site are a relatively common cause of aberrant splicing (PMID: 17576681, 9536098). Algorithms developed to predict the effect of sequence changes on RNA splicing suggest that this variant may disrupt the consensus splice site.

OMIM
Classification: risk factor for AMYOTROPHIC LATERAL SCLEROSIS, SUSCEPTIBILITY TO, 25. Last evaluated: 2018-03-29. Review status: no assertion criteria provided. Collection method: literature only. Allele origin: germline. Not counted in ClinVar's aggregate classification.

Literature cited by the submitters: PubMed 29566793 (cited by Labcorp Genetics (formerly Invitae), Labcorp and OMIM); PubMed 29954873 (cited by Labcorp Genetics (formerly Invitae), Labcorp); PubMed 17576681 (cited by Labcorp Genetics (formerly Invitae), Labcorp); PubMed 9536098 (cited by Labcorp Genetics (formerly Invitae), Labcorp).

NM_004984.4(KIF5A):c.2993-3C>T

Gene: KIF5A (kinesin family member 5A; plus strand). Cytogenetic location: 12q13.3.
Variant type: single nucleotide variant.
Coding change: c.2993-3C>T on transcript NM_004984.4 (MANE Select); 3 bases into the intron before coding-DNA position 2993, C replaced by T.
Molecular consequence: intron variant.
Genome position (GRCh38, 1-based): chr12:57,582,599, C>T. VCF-style: chr12-57582599-C-T. GRCh37 (hg19) VCF-style: chr12-57976382-C-T.
Other names: IVS26AS, C-T, -3; c.2726-3C>T (NM_001354705.2).
Identifiers: ClinVar variation 504476 (VCV000504476.4), dbSNP rs1402429085, ClinGen allele CA605315756.